The following is an entry in ClinVar:

ClinVar aggregate classification (germline): Uncertain significance. Review status: criteria provided, multiple submitters, no conflicts (2 of 4 stars). 7 submissions from 7 submitters: Uncertain significance (7). Last evaluated 2025-07-16.

Conditions:
Noonan syndrome and Noonan-related syndrome. Identifiers: Orphanet 98733, MedGen C5681679, MONDO:0020297.
Cardiovascular phenotype. Identifiers: MedGen CN230736.
RASopathy. Also called: Noonan spectrum disorder; rasopathies. Identifiers: Orphanet 536391, MedGen C5555857, MONDO:0021060.
Noonan syndrome 5 (NS5). Also called: RAF1-Related Noonan Syndrome. Identifiers: Orphanet 648, MedGen C1969057, MONDO:0012690, OMIM 611553. Disease mechanism: gain of function.

Allele frequency attached by ClinVar (database versions not stated): ExAC 0.00001; gnomAD exomes 0.00001 and 0.00002; TOPMed 0.00002; gnomAD 0.00003.
gnomAD v4.1: 26 of 1,614,058 alleles (0.0016%); highest among the groups gnomAD compares: South Asian, 0.0033%; no homozygotes.

Submissions (7):

Labcorp Genetics (formerly Invitae), Labcorp
Classification: Uncertain significance for RASopathy. Last evaluated: 2025-07-16. Review status: criteria provided, single submitter. Criteria: Invitae Variant Classification Sherloc (09022015). Collection method: clinical testing. Allele origin: germline.
Comment: This sequence change replaces arginine, which is basic and polar, with tryptophan, which is neutral and slightly polar, at codon 627 of the RAF1 protein (p.Arg627Trp). This variant is present in population databases (rs730881005, gnomAD 0.005%). This variant has not been reported in the literature in individuals affected with RAF1-related conditions. ClinVar contains an entry for this variant (Variation ID: 181513). Invitae Evidence Modeling of protein sequence and biophysical properties (such as structural, functional, and spatial information, amino acid conservation, physicochemical variation, residue mobility, and thermodynamic stability) indicates that this missense variant is expected to disrupt RAF1 protein function with a positive predictive value of 95%. In summary, the available evidence is currently insufficient to determine the role of this variant in disease. Therefore, it has been classified as a Variant of Uncertain Significance.

Revvity Omics, Revvity
Classification: Uncertain significance. Last evaluated: 2024-06-05. Review status: criteria provided, single submitter. Criteria: ACMG Guidelines, 2015. Collection method: clinical testing. Allele origin: germline.

Blueprint Genetics
Classification: Uncertain significance. Last evaluated: 2023-09-26. Review status: criteria provided, single submitter. Criteria: ACMG Guidelines, 2015. Collection method: clinical testing. Allele origin: germline.

Ambry Genetics
Classification: Uncertain significance for Cardiovascular phenotype. Last evaluated: 2022-01-10. Review status: criteria provided, single submitter. Criteria: Ambry Variant Classification Scheme 2023. Collection method: clinical testing. Allele origin: germline.

GeneDx
Classification: Uncertain significance. Last evaluated: 2019-03-28. Review status: criteria provided, single submitter. Criteria: GeneDx Variant Classification Process June 2021. Collection method: clinical testing. Allele origin: germline. Affected: yes.
Comment: In silico analysis, which includes protein predictors and evolutionary conservation, supports a deleterious effect; Has not been previously published as pathogenic or benign to our knowledge; Reported in ClinVar but additional evidence is not available (ClinVar Variant ID# 181513; Landrum et al., 2016)

Genome Diagnostics Laboratory, The Hospital for Sick Children
Classification: Uncertain significance for Noonan syndrome and Noonan-related syndrome. Last evaluated: 2017-04-13. Review status: criteria provided, single submitter. Criteria: ACMG Guidelines, 2015. Collection method: clinical testing. Allele origin: germline.

Neuberg Centre For Genomic Medicine, NCGM
Classification: Uncertain significance for Noonan syndrome 5. Review status: criteria provided, single submitter. Criteria: ACMG Guidelines, 2015. Collection method: clinical testing. Allele origin: germline. Inheritance: Autosomal dominant inheritance. Affected: yes.
Comment: The observed missense variant c.1939C>T(p.Arg647Trp) in the RAF1 gene has not been reported previously as a pathogenic variant nor as a benign variant, to our knowledge. This variant is reported with an allele frequency of 0.0008% in the gnomAD Exomes. The amino acid Arg at position 647 is changed to a Trp changing protein sequence and it might alter its composition and physico-chemical properties. This variant has been reported to the ClinVar database as Uncertain significance. The amino acid change p.Arg647Trp in RAF1 is predicted as conserved by GERP++ and PhyloP across 100 vertebrates and multiple lines of computtational evidence (Polyphen, SIFT and MutationTaster) predict a damaging effect on the protein structure and function. For these reasons, this variant has been classified as Uncertain significance (VUS).

NM_002880.4(RAF1):c.1879C>T (p.Arg627Trp)

Gene: RAF1 (Raf-1 proto-oncogene, serine/threonine kinase; minus strand). Cytogenetic location: 3p25.2.
Variant type: single nucleotide variant.
Coding change: c.1879C>T on transcript NM_002880.4 (MANE Select); coding-DNA position 1879, C replaced by T.
Protein change: p.Arg627Trp; replaces arginine 627 with tryptophan.
Molecular consequence: missense variant. On other transcripts: non-coding transcript variant (3).
Genome position (GRCh38, 1-based): chr3:12,584,582, G>A on the plus strand (C>T on the coding strand, the complement: RAF1 is on the minus strand). VCF-style: chr3-12584582-G-A. GRCh37 (hg19) VCF-style: chr3-12626081-G-A.
Other names: p.R627W:CGG>TGG; c.1939C>T, p.Arg647Trp (NM_001354689.3); c.1879C>T, p.Arg627Trp (NM_001354690.3); c.1636C>T, p.Arg546Trp (NM_001354691.3, NM_001354692.3); c.1780C>T, p.Arg594Trp (NM_001354693.3); c.1696C>T, p.Arg566Trp (NM_001354694.3); c.1537C>T, p.Arg513Trp (NM_001354695.3); short protein forms R627W, R513W, R546W, R594W, R566W, R647W.
Identifiers: ClinVar variation 181513 (VCV000181513.24), dbSNP rs730881005, ClinGen allele CA297136.